The following is an entry in ClinVar:

NM_058174.3(COL6A2):c.2504G>A (p.Arg835His)

Gene: COL6A2 (collagen type VI alpha 2 chain; plus strand). Cytogenetic location: 21q22.3.
Variant type: single nucleotide variant.
Coding change: c.2504G>A on transcript NM_058174.3 (MANE Plus Clinical); coding-DNA position 2504, G replaced by A.
Protein change: p.Arg835His; replaces arginine 835 with histidine.
Molecular consequence: missense variant. On other transcripts: 3 prime UTR variant (1), intron variant (1).
Genome position (GRCh38, 1-based): chr21:46,129,238, G>A. VCF-style: chr21-46129238-G-A. GRCh37 (hg19) VCF-style: chr21-47549152-G-A.
Other names: c.*310G>A (NM_058175.3); c.2461+2697G>A (NM_001849.4); short protein forms R835H.
Identifiers: ClinVar variation 3032338 (VCV003032338.2), dbSNP rs746936420, ClinGen allele CA10072748.

ClinVar aggregate classification (germline): Uncertain significance (0 of 4 stars; one submission).

Conditions:
COL6A2-related disorder.

Allele frequency attached by ClinVar (database versions not stated): ExAC 0.00002; gnomAD 0.00002; TOPMed 0.00002.

Submission:

PreventionGenetics, part of Exact Sciences
Classification: Uncertain significance for COL6A2-related condition. Last evaluated: 2023-12-15. Review status: no assertion criteria provided. Collection method: clinical testing. Allele origin: germline.
Comment: The COL6A2 c.2504G>A variant is predicted to result in the amino acid substitution p.Arg835His. To our knowledge, this variant has not been reported in the literature. This variant is reported in 0.0040% of alleles in individuals of European (Finnish) descent in gnomAD. At this time, the clinical significance of this variant is uncertain due to the absence of conclusive functional and genetic evidence.